The following is an entry in ClinVar:

ClinVar aggregate classification (germline): Likely benign (1 of 4 stars; one submission).

Submission:

CeGaT Center for Human Genetics Tuebingen
Classification: Likely benign. Last evaluated: 2023-03-01. Review status: criteria provided, single submitter. Criteria: CeGaT Center For Human Genetics Tuebingen Variant Classification Criteria Version 2. Collection method: clinical testing. Allele origin: germline. Affected: yes. Observed: 1 variant allele.
Comment: ZNF728: BP4, BP7

NM_001267716.2(ZNF728):c.1014G>A (p.Lys338=)

Gene: ZNF728 (zinc finger protein 728; minus strand). Cytogenetic location: 19p12.
Variant type: single nucleotide variant.
Coding change: c.1014G>A on transcript NM_001267716.2 (MANE Select); coding-DNA position 1014, G replaced by A.
Protein change: p.Lys338=; no amino-acid change (lysine 338 retained).
Molecular consequence: synonymous variant.
Genome position (GRCh38, 1-based): chr19:22,976,323, C>T on the plus strand (G>A on the coding strand, the complement: ZNF728 is on the minus strand). VCF-style: chr19-22976323-C-T. GRCh37 (hg19) VCF-style: chr19-23159125-C-T.
Identifiers: ClinVar variation 2649659 (VCV002649659.24), dbSNP rs878872544, ClinGen allele CA306823689.